The following is an entry in ClinVar:

ClinVar aggregate classification (germline): Conflicting classifications of pathogenicity. Review status: criteria provided, conflicting classifications (1 of 4 stars). 3 submissions from 3 submitters: Likely pathogenic (1); Uncertain significance (2). Last evaluated 2025-03-05.

Conditions:
MASS syndrome (OCTD). Also called: MASS PHENOTYPE; OVERLAP CONNECTIVE TISSUE DISEASE. Identifiers: MedGen C1858556, MONDO:0011431, OMIM 604308.
Weill-Marchesani syndrome 2, dominant. Also called: Weill-Marchesani Syndrome, Autosomal Dominant; FBN1-Related Weill-Marchesani Syndrome. Identifiers: Orphanet 2084, MedGen C1869115, MONDO:0012013, OMIM 608328.
Progeroid and marfanoid aspect-lipodystrophy syndrome. Also called: Marfan lipodystrophy syndrome; MARFANOID-PROGEROID SYNDROME; MARFAN-PROGEROID-LIPODYSTROPHY SYNDROME; MARFANOID-PROGEROID-LIPODYSTROPHY SYNDROME. Identifiers: Orphanet 300382, MedGen C4310796, MONDO:0014831, OMIM 616914.
Stiff skin syndrome (SSKS). Identifiers: Orphanet 2833, MedGen C1861456, MONDO:0008492, OMIM 184900.
Acromicric dysplasia (ACMICD). Also called: Acromicric skeletal dysplasia. Identifiers: Orphanet 969, MedGen C0265287, MONDO:0007055, OMIM 102370.
Geleophysic dysplasia 2 (GPHYSD2). Identifiers: Orphanet 2623, MedGen C3280054, MONDO:0013612, OMIM 614185.
Ectopia lentis 1, isolated, autosomal dominant (ECTOL1). Identifiers: Orphanet 1885, MedGen C3541518, MONDO:0007514, OMIM 129600.
Marfan syndrome (MFS). Also called: FBN1-Related Marfan Syndrome; Marfan syndrome type 1; Marfan's syndrome; Marfan syndrome, classic; MARFAN SYNDROME, TYPE I. Identifiers: Orphanet 284963, Orphanet 558, MedGen C0024796, MONDO:0007947, OMIM 154700.
Familial thoracic aortic aneurysm and aortic dissection (TAAD). Also called: Thoracic aortic aneurysms and dissections. Identifiers: Orphanet 91387, MedGen C4707243, MONDO:0019625.

Allele frequency attached by ClinVar (database versions not stated): gnomAD exomes below 0.00001.
gnomAD v4.1: 1 of 1,613,638 alleles (0.000062%); highest among the groups gnomAD compares: Non-Finnish European, 0.000085%; no homozygotes.

Submissions (3):

Labcorp Genetics (formerly Invitae), Labcorp
Classification: Uncertain significance for Marfan syndrome; Familial thoracic aortic aneurysm and aortic dissection. Last evaluated: 2025-03-05. Review status: criteria provided, single submitter. Criteria: Invitae Variant Classification Sherloc (09022015). Collection method: clinical testing. Allele origin: germline.
Comment: This sequence change replaces aspartic acid, which is acidic and polar, with asparagine, which is neutral and polar, at codon 807 of the FBN1 protein (p.Asp807Asn). This variant also falls at the last nucleotide of exon 20, which is part of the consensus splice site for this exon. This variant is not present in population databases (gnomAD no frequency). This variant has not been reported in the literature in individuals affected with FBN1-related conditions. ClinVar contains an entry for this variant (Variation ID: 569969). An algorithm developed to predict the effect of missense changes on protein structure and function (PolyPhen-2) suggests that this variant is likely to be disruptive. Variants that disrupt the consensus splice site are a relatively common cause of aberrant splicing (PMID: 17576681, 9536098). Algorithms developed to predict the effect of sequence changes on RNA splicing suggest that this variant may disrupt the consensus splice site. In summary, the available evidence is currently insufficient to determine the role of this variant in disease. Therefore, it has been classified as a Variant of Uncertain Significance.

Human Genetics Unit, University Of Colombo
Classification: Likely pathogenic for MASS syndrome. Last evaluated: 2022-09-25. Review status: criteria provided, single submitter. Criteria: ACMG Guidelines, 2015. Collection method: clinical testing. Allele origin: germline. Affected: yes. Observed: 1 variant allele.
Comment: Variant is predicted splicing: scSNV-ADA = 0.999994 is greater than 0.999925, and LOF in gene FBN1 is known to cause disease (gene has 1 839 reported pathogenic LOF variants). Multiple lines of In silico analyses supports that this variant has a deleterious effect on protein structure/function [PP3]. UniProt protein P35555 domain 'EGF-like 13' has 64 missense/in-frame variants (29 pathogenic variants, 35 uncertain variants, and no benign), which qualifies as moderate pathogenic [PM1]. Variant not found in gnomAD exomes, with good gnomAD exomes coverage = 74.7 [PM2]. In summary, this variant meets criteria to be classified as likely pathogenic based on ACMG/AMP guidelines: PP3_Strong, PP4_Supporting, PM1_Moderate, and PM2_Supporting.

Center for Genomics, Ann and Robert H. Lurie Children's Hospital of Chicago
Classification: Uncertain significance for Acromicric dysplasia; Ectopia lentis 1, isolated, autosomal dominant; Geleophysic dysplasia 2; MASS syndrome; Progeroid and marfanoid aspect-lipodystrophy syndrome; Marfan syndrome; Stiff skin syndrome; Weill-Marchesani syndrome 2, dominant. Review status: criteria provided, single submitter. Criteria: ACMG Guidelines, 2015. Collection method: clinical testing. Allele origin: germline.
Comment: FBN1 NM_000138.4 exon 20 p.Asp807Asn (c.2419G>A): This variant has not been reported in the literature and is not present in large control databases. This variant is present in ClinVar (Variation ID:569969). Evolutionary conservation and computational predictive tools suggest that this variant may impact the protein. This variant alters the last nucleotide in the exon, and splice prediction tools suggest that this variant may affect splicing. However, further studes are needed to understand its impact. In summary, data on this variant is insufficient for disease classification. Therefore, the clinical significance of this variant is uncertain.

Literature cited by the submitters: PubMed 17576681 (cited by Labcorp Genetics (formerly Invitae), Labcorp); PubMed 9536098 (cited by Labcorp Genetics (formerly Invitae), Labcorp).

NM_000138.5(FBN1):c.2419G>A (p.Asp807Asn)

Gene: FBN1 (fibrillin 1; minus strand). Cytogenetic location: 15q21.1.
Variant type: single nucleotide variant.
Coding change: c.2419G>A on transcript NM_000138.5 (MANE Select); coding-DNA position 2419, G replaced by A.
Protein change: p.Asp807Asn; replaces aspartic acid 807 with asparagine.
Molecular consequence: missense variant.
Genome position (GRCh38, 1-based): chr15:48,496,100, C>T on the plus strand (G>A on the coding strand, the complement: FBN1 is on the minus strand). VCF-style: chr15-48496100-C-T. GRCh37 (hg19) VCF-style: chr15-48788297-C-T.
Other names: short protein forms D807N.
Identifiers: ClinVar variation 569969 (VCV000569969.14), dbSNP rs1566911886, ClinGen allele CA392335057.